The following is an entry in ClinVar:

NM_000128.4(F11):c.1186C>T (p.Arg396Cys)

Gene: F11 (coagulation factor XI; plus strand). Cytogenetic location: 4q35.2.
Variant type: single nucleotide variant.
Coding change: c.1186C>T on transcript NM_000128.4 (MANE Select); coding-DNA position 1186, C replaced by T.
Protein change: p.Arg396Cys; replaces arginine 396 with cysteine.
Molecular consequence: missense variant.
Genome position (GRCh38, 1-based): chr4:186,284,142, C>T. VCF-style: chr4-186284142-C-T. GRCh37 (hg19) VCF-style: chr4-187205296-C-T.
Other names: short protein forms R396C.
Identifiers: ClinVar variation 188760 (VCV000188760.7), dbSNP rs771896253, ClinGen allele CA199052.

ClinVar aggregate classification (germline): Pathogenic/Likely pathogenic. Review status: criteria provided, multiple submitters, no conflicts (2 of 4 stars). 3 submissions from 3 submitters: Pathogenic (1); Likely pathogenic (1). 1 of the submissions does not count toward it. Last evaluated 2025-09-24.

Conditions:
Plasma factor XI deficiency.
Hereditary factor XI deficiency disease. Also called: Congenital factor XI deficiency; PLASMA THROMBOPLASTIN ANTECEDENT DEFICIENCY; PTA DEFICIENCY; ROSENTHAL SYNDROME. Identifiers: Orphanet 329, MedGen C0015523, MeSH D005173, MONDO:0012897, OMIM 612416.

Allele frequency attached by ClinVar (database versions not stated): gnomAD 0.00001; TOPMed 0.00001; ExAC 0.00002; gnomAD exomes 0.00002.
gnomAD v4.1: 14 of 1,614,078 alleles (0.00087%); highest among the groups gnomAD compares: Middle Eastern, 0.016%; no homozygotes.

Submissions (3):

Natera, Inc.
Classification: Likely pathogenic for Plasma factor XI deficiency. Last evaluated: 2025-09-24. Review status: criteria provided, single submitter. Criteria: Natera Variant Classification Schema (03/2026). Collection method: clinical testing. Allele origin: germline.
Comment: The c.1186C>T variant in F11 is a missense variant predicted to cause substitution of arginine to cysteine at amino acid 396. This variant is rare in the general population with a frequency below the threshold expected for the associated phenotype(s). This variant has been observed in affected individual(s) with monoallelic occurrence (heterozygous/hemizygous) (PMID: 27067486, 21192253, 17549289, 16835901). Functional studies show that this variant may disrupt protein function (PMID: 17549289). Multiple computational prediction algorithms suggest this variant is unlikely to affect gene or protein function. Given the available evidence, this variant is classified as Likely Pathogenic.

Revvity Omics, Revvity
Classification: Pathogenic for Hereditary factor XI deficiency disease. Last evaluated: 2022-05-02. Review status: criteria provided, single submitter. Criteria: ACMG Guidelines, 2015. Collection method: clinical testing. Allele origin: germline.

Counsyl
Classification: Likely pathogenic for Hereditary factor XI deficiency disease. Last evaluated: 2014-04-14. Review status: no assertion criteria provided. Collection method: literature only. Allele origin: unknown. Inheritance: Autosomal recessive inheritance. Not counted in ClinVar's aggregate classification.

Literature cited by the submitters: PubMed 27067486 (cited by Natera, Inc.); PubMed 21192253 (cited by Natera, Inc. and Counsyl); PubMed 17549289 (cited by Natera, Inc. and Counsyl); PubMed 16835901 (cited by Natera, Inc. and Counsyl); PubMed 19652879 (cited by Counsyl).